The following is an entry in ClinVar:

ClinVar aggregate classification (germline): Pathogenic (0 of 4 stars; one submission).

Conditions:
Bosch-Boonstra-Schaaf optic atrophy syndrome (BBSOAS). Also called: NR2F1-Related Neurodevelopmental Disorder. Identifiers: Orphanet 401777, MedGen C3810363, MONDO:0014320, OMIM 615722.

Submission:

Clinical Genomics Laboratory, Stanford Medicine
Classification: Pathogenic for Bosch-Boonstra-Schaaf optic atrophy syndrome. Last evaluated: 2021-06-02. Review status: no assertion criteria provided. Collection method: clinical testing. Allele origin: germline. Inheritance: Autosomal dominant inheritance. Affected: yes. Observed: 1 heterozygote.
Comment: This variant was absent from large population databases, including the Genome Aggregation Database. The p.Met1? variant disrupts the translation initiation codon and is predicted to result in an abnormal or absent protein. Western blots of different p.Met1? variants in this gene demonstrated reduced protein, suggesting that any p.Met1? variant in this gene could result in loss of function (Chen et al., 2016). Heterozygous loss of function is an established mechanism of disease for the NR2F1 gene. These data were assessed using the ACMG/AMP variant interpretation guidelines. In summary, there is sufficient evidence to classify the p.Met1? variant as pathogenic for autosomal dominant Bosch-Boonstra-Schaaf optic atrophy syndrome based on the information above. [ACMG evidence codes used: PVS1, PS2, PM2]

NM_005654.6(NR2F1):c.3G>A (p.Met1Ile)

Genes: NR2F1 (nuclear receptor subfamily 2 group F member 1; plus strand), NR2F1-AS1 (NR2F1 regulatory antisense RNA 1; minus strand). Cytogenetic location: 5q15.
Variant type: single nucleotide variant.
Coding change: c.3G>A on transcript NM_005654.6 (MANE Select); coding-DNA position 3, G replaced by A.
Protein change: p.Met1Ile; changes the start codon (methionine 1).
Molecular consequence: missense variant, initiator codon variant.
Genome position (GRCh38, 1-based): chr5:93,585,026, G>A. VCF-style: chr5-93585026-G-A. GRCh37 (hg19) VCF-style: chr5-92920732-G-A.
Other names: p.Met1?; short protein forms M1I.
Identifiers: ClinVar variation 2683748 (VCV002683748.1), dbSNP rs866011766, ClinGen allele CA360525309.